The following is an entry in ClinVar:

ClinVar aggregate classification (germline): Uncertain significance (1 of 4 stars; one submission).

Conditions:
Inborn genetic diseases. Identifiers: MedGen C0950123, MeSH D030342.

Submission:

Ambry Genetics
Classification: Uncertain significance for Inborn genetic diseases. Last evaluated: 2025-04-11. Review status: criteria provided, single submitter. Criteria: Ambry Variant Classification Scheme 2023. Collection method: clinical testing. Allele origin: germline.
Comment: The p.G88V variant (also known as c.263G>T), located in coding exon 1 of the WT1 gene, results from a G to T substitution at nucleotide position 263. The glycine at codon 88 is replaced by valine, an amino acid with dissimilar properties. This amino acid position is conserved. In addition, this alteration is predicted to be tolerated by in silico analysis. Based on the available evidence, the clinical significance of this variant remains unclear.

NM_024426.6(WT1):c.278G>T (p.Gly93Val)

Genes: WT1 (WT1 transcription factor; minus strand), LOC107982234 (WT1/WT1-AS bi-directional promoter region; plus strand). Cytogenetic location: 11p13.
Variant type: single nucleotide variant.
Coding change: c.278G>T on transcript NM_024426.6 (MANE Select); coding-DNA position 278, G replaced by T.
Protein change: p.Gly93Val; replaces glycine 93 with valine.
Molecular consequence: missense variant. On other transcripts: non-coding transcript variant (2).
Genome position (GRCh38, 1-based): chr11:32,435,083, C>A on the plus strand (G>T on the coding strand, the complement: WT1 is on the minus strand). VCF-style: chr11-32435083-C-A. GRCh37 (hg19) VCF-style: chr11-32456629-C-A.
Other names: c.278G>T, p.Gly93Val (NM_001407048.1, NM_001407049.1, NM_001407050.1 and 6 more transcripts); c.59G>T, p.Gly20Val (NM_001429031.1, NM_001429032.1, NM_001429033.1 and 1 more transcripts); short protein forms G20V, G88V, G93V.
Identifiers: ClinVar variation 3982446 (VCV003982446.1).